The following is an entry in ClinVar:

NM_000092.5(COL4A4):c.2240C>T (p.Pro747Leu)

Gene: COL4A4 (collagen type IV alpha 4 chain; minus strand). Cytogenetic location: 2q36.3.
Variant type: single nucleotide variant.
Coding change: c.2240C>T on transcript NM_000092.5 (MANE Select); coding-DNA position 2240, C replaced by T.
Protein change: p.Pro747Leu; replaces proline 747 with leucine.
Molecular consequence: missense variant.
Genome position (GRCh38, 1-based): chr2:227,059,548, G>A on the plus strand (C>T on the coding strand, the complement: COL4A4 is on the minus strand). VCF-style: chr2-227059548-G-A. GRCh37 (hg19) VCF-style: chr2-227924264-G-A.
Other names: short protein forms P747L.
Identifiers: ClinVar variation 4800355 (VCV004800355.1).

ClinVar aggregate classification (germline): Uncertain significance (1 of 4 stars; one submission).

gnomAD v4.1: 1 of 1,614,080 alleles (0.000062%); highest among the groups gnomAD compares: Non-Finnish European, 0.000085%; no homozygotes.

Submission:

Labcorp Genetics (formerly Invitae), Labcorp
Classification: Uncertain significance. Last evaluated: 2025-10-09. Review status: criteria provided, single submitter. Criteria: Invitae Variant Classification Sherloc (09022015). Collection method: clinical testing. Allele origin: germline.
Comment: This sequence change replaces proline, which is neutral and non-polar, with leucine, which is neutral and non-polar, at codon 747 of the COL4A4 protein (p.Pro747Leu). This variant is not present in population databases (gnomAD no frequency). This variant has not been reported in the literature in individuals affected with COL4A4-related conditions. Invitae Evidence Modeling of protein sequence and biophysical properties (such as structural, functional, and spatial information, amino acid conservation, physicochemical variation, residue mobility, and thermodynamic stability) has been performed for this missense variant. However, the output from this modeling did not meet the statistical confidence thresholds required to predict the impact of this variant on COL4A4 protein function. In summary, the available evidence is currently insufficient to determine the role of this variant in disease. Therefore, it has been classified as a Variant of Uncertain Significance.